The following is an entry in ClinVar:

NM_001370298.3(FGD4):c.1334A>C (p.Asn445Thr)

Gene: FGD4 (FYVE, RhoGEF and PH domain containing 4; plus strand). Cytogenetic location: 12p11.21.
Variant type: single nucleotide variant.
Coding change: c.1334A>C on transcript NM_001370298.3 (MANE Select); coding-DNA position 1334, A replaced by C.
Protein change: p.Asn445Thr; replaces asparagine 445 with threonine.
Molecular consequence: missense variant. On other transcripts: 5 prime UTR variant (1).
Genome position (GRCh38, 1-based): chr12:32,602,247, A>C. VCF-style: chr12-32602247-A-C. GRCh37 (hg19) VCF-style: chr12-32755181-A-C.
Other names: c.1178A>C, p.Asn393Thr (NM_001304481.2); c.179A>C, p.Asn60Thr (NM_001304483.2); c.-129A>C (NM_001304484.2); c.644A>C, p.Asn215Thr (NM_001330373.2, NM_001330374.2, NM_001384130.1); c.371A>C, p.Asn124Thr (NM_001370297.1); c.1334A>C, p.Asn445Thr (NM_001384126.1); c.923A>C, p.Asn308Thr (NM_001384127.1, NM_001384128.1, NM_001385118.1 and 1 more transcripts); short protein forms N308T, N124T, N215T, N445T, N393T, N60T.
Identifiers: ClinVar variation 1506362 (VCV001506362.6), dbSNP rs1451834045, ClinGen allele CA384358740.
Genomic context (GRCh38, chr12:32,602,247, plus strand): 5'-TCCTTCAGAAATTGGCACCATTCCTTAAGATGTATGGAGAATATGTGAAAGGATTTGATA[A>C]TGCAATGGAATTGGTTAAAAACATGACAGAACGTATTCCCCAGTTCAAATCAGTGGTTGA-3'
Protein context (NP_001357227.2, residues 435-455): MYGEYVKGFD[Asn445Thr]AMELVKNMTE

ClinVar aggregate classification (germline): Uncertain significance (1 of 4 stars; one submission).

Conditions:
Charcot-Marie-Tooth disease type 4. Also called: Charcot-Marie-Tooth disease, type IV; Charcot-Marie-Tooth, Type 4. Identifiers: Orphanet 64749, MedGen C4082197, MONDO:0018995.

Submission:

Labcorp Genetics (formerly Invitae), Labcorp
Classification: Uncertain significance for Charcot-Marie-Tooth disease type 4. Last evaluated: 2025-05-05. Review status: criteria provided, single submitter. Criteria: Invitae Variant Classification Sherloc (09022015). Collection method: clinical testing. Allele origin: germline.
Comment: This sequence change replaces asparagine, which is neutral and polar, with threonine, which is neutral and polar, at codon 308 of the FGD4 protein (p.Asn308Thr). This variant is not present in population databases (gnomAD no frequency). This variant has not been reported in the literature in individuals affected with FGD4-related conditions. ClinVar contains an entry for this variant (Variation ID: 1506362). Invitae Evidence Modeling of protein sequence and biophysical properties (such as structural, functional, and spatial information, amino acid conservation, physicochemical variation, residue mobility, and thermodynamic stability) indicates that this missense variant is not expected to disrupt FGD4 protein function with a negative predictive value of 80%. In summary, the available evidence is currently insufficient to determine the role of this variant in disease. Therefore, it has been classified as a Variant of Uncertain Significance.